The following is an entry in ClinVar:

ClinVar aggregate classification (germline): Likely benign (0 of 4 stars; one submission).

Conditions:
PSEN2-related disorder. Also called: PSEN2-related condition.

gnomAD v4.1: 1 of 1,614,158 alleles (0.000062%); no homozygotes.

Submission:

PreventionGenetics, part of Exact Sciences
Classification: Likely benign for PSEN2-related condition. Last evaluated: 2021-01-28. Review status: no assertion criteria provided. Collection method: clinical testing. Allele origin: germline.
Comment: This variant is classified as likely benign based on ACMG/AMP sequence variant interpretation guidelines (Richards et al. 2015 PMID: 25741868, with internal and published modifications).

NM_000447.3(PSEN2):c.693C>T (p.Tyr231=)

Gene: PSEN2 (presenilin 2; plus strand). Cytogenetic location: 1q42.13.
Variant type: single nucleotide variant.
Coding change: c.693C>T on transcript NM_000447.3 (MANE Select); coding-DNA position 693, C replaced by T.
Protein change: p.Tyr231=; no amino-acid change (tyrosine 231 retained).
Molecular consequence: synonymous variant.
Genome position (GRCh38, 1-based): chr1:226,888,955, C>T. VCF-style: chr1-226888955-C-T. GRCh37 (hg19) VCF-style: chr1-227076656-C-T.
Other names: c.693C>T, p.Tyr231= (NM_012486.3).
Identifiers: ClinVar variation 3031236 (VCV003031236.2), dbSNP rs2527981372, ClinGen allele CA423733877.